The following is an entry in ClinVar:

ClinVar aggregate classification (germline): Conflicting classifications of pathogenicity. Review status: criteria provided, conflicting classifications (1 of 4 stars). 3 submissions from 3 submitters: Uncertain significance (2); Likely benign (1). Last evaluated 2024-01-09.

Conditions:
Lynch syndrome. Identifiers: Orphanet 144, MedGen C4552100, MONDO:0005835. Disease mechanism: loss of function.
Hereditary cancer-predisposing syndrome. Also called: Hereditary neoplastic syndrome; Tumor predisposition; Hereditary Cancer Syndrome; Neoplastic Syndromes, Hereditary. Identifiers: Orphanet 140162, MedGen C0027672, MeSH D009386, MONDO:0015356.

Submissions (3):

Ambry Genetics
Classification: Likely benign for Hereditary cancer-predisposing syndrome. Last evaluated: 2024-01-09. Review status: criteria provided, single submitter. Criteria: Ambry Variant Classification Scheme 2023. Collection method: clinical testing. Allele origin: germline.

Color Diagnostics, LLC DBA Color Health
Classification: Uncertain significance for Hereditary cancer-predisposing syndrome. Last evaluated: 2023-12-05. Review status: criteria provided, single submitter. Criteria: ACMG Guidelines, 2015. Collection method: clinical testing. Allele origin: germline.
Comment: This missense variant replaces proline with leucine at codon 524 of the PMS2 protein. Computational prediction suggests that this variant may not impact protein structure and function (internally defined REVEL score threshold <= 0.5, PMID: 27666373). To our knowledge, functional studies have not been reported for this variant. This variant has not been reported in individuals affected with PMS2-related disorders in the literature. This variant has not been identified in the general population by the Genome Aggregation Database (gnomAD). The available evidence is insufficient to determine the role of this variant in disease conclusively. Therefore, this variant is classified as a Variant of Uncertain Significance.

All of Us Research Program, National Institutes of Health
Classification: Uncertain significance for Lynch syndrome. Last evaluated: 2023-04-27. Review status: criteria provided, single submitter. Criteria: ACMG Guidelines, 2015. Collection method: clinical testing. Allele origin: germline. Inheritance: Autosomal dominant inheritance. Observed: 1 variant allele, 1 heterozygote.
Comment: This study involves interpretation of variants in research participants for the purpose of population health screening. Participant phenotype was not available at the time of variant classification. Additional details can be found in publication PMID: 35346344, PMCID: PMC8962531

NM_000535.7(PMS2):c.1571C>T (p.Pro524Leu)

Gene: PMS2 (PMS1 homolog 2, mismatch repair system component; minus strand). Cytogenetic location: 7p22.1.
Variant type: single nucleotide variant.
Coding change: c.1571C>T on transcript NM_000535.7 (MANE Select); coding-DNA position 1571, C replaced by T.
Protein change: p.Pro524Leu; replaces proline 524 with leucine.
Molecular consequence: missense variant. On other transcripts: non-coding transcript variant (1).
Genome position (GRCh38, 1-based): chr7:5,987,194, G>A on the plus strand (C>T on the coding strand, the complement: PMS2 is on the minus strand). VCF-style: chr7-5987194-G-A. GRCh37 (hg19) VCF-style: chr7-6026825-G-A.
Other names: c.1166C>T, p.Pro389Leu (NM_001322003.2, NM_001322004.2, NM_001322005.2 and 1 more transcripts); c.1415C>T, p.Pro472Leu (NM_001322006.2); c.1253C>T, p.Pro418Leu (NM_001322007.2, NM_001322008.2); c.1010C>T, p.Pro337Leu (NM_001322010.2); c.638C>T, p.Pro213Leu (NM_001322011.2, NM_001322012.2); c.998C>T, p.Pro333Leu (NM_001322013.2); c.1571C>T, p.Pro524Leu (NM_001322014.2); c.1262C>T, p.Pro421Leu (NM_001322015.2); and 1 more; short protein forms P524L, P337L, P418L, P421L, P333L, P389L, P472L, P213L.
Identifiers: ClinVar variation 492258 (VCV000492258.7), dbSNP rs63751257, ClinGen allele CA366741565.